The following is an entry in ClinVar:

ClinVar aggregate classification (germline): Uncertain significance. Review status: criteria provided, multiple submitters, no conflicts (2 of 4 stars). 2 submissions from 2 submitters: Uncertain significance (2). Last evaluated 2022-04-26.

Conditions:
Inborn genetic diseases. Identifiers: MedGen C0950123, MeSH D030342.

Allele frequency attached by ClinVar (database versions not stated): gnomAD 0.00001; gnomAD exomes 0.00003; ExAC 0.00004; TOPMed 0.00005.
gnomAD v4.1: 29 of 1,614,084 alleles (0.0018%); highest among the groups gnomAD compares: South Asian, 0.0055%; no homozygotes.

Submissions (2):

Labcorp Genetics (formerly Invitae), Labcorp
Classification: Uncertain significance. Last evaluated: 2022-04-26. Review status: criteria provided, single submitter. Criteria: Invitae Variant Classification Sherloc (09022015). Collection method: clinical testing. Allele origin: germline.
Comment: This sequence change replaces arginine, which is basic and polar, with glutamine, which is neutral and polar, at codon 477 of the CNTNAP1 protein (p.Arg477Gln). This variant is present in population databases (rs764313512, gnomAD 0.006%). This variant has not been reported in the literature in individuals affected with CNTNAP1-related conditions. Algorithms developed to predict the effect of missense changes on protein structure and function (SIFT, PolyPhen-2, Align-GVGD) all suggest that this variant is likely to be tolerated. Algorithms developed to predict the effect of sequence changes on RNA splicing suggest that this variant may create or strengthen a splice site. In summary, the available evidence is currently insufficient to determine the role of this variant in disease. Therefore, it has been classified as a Variant of Uncertain Significance.

Ambry Genetics
Classification: Uncertain significance for Inborn genetic diseases. Last evaluated: 2022-04-01. Review status: criteria provided, single submitter. Criteria: Ambry Variant Classification Scheme 2023. Collection method: clinical testing. Allele origin: germline.

NM_003632.3(CNTNAP1):c.1430G>A (p.Arg477Gln)

Gene: CNTNAP1 (contactin associated protein 1; plus strand). Cytogenetic location: 17q21.2.
Variant type: single nucleotide variant.
Coding change: c.1430G>A on transcript NM_003632.3 (MANE Select); coding-DNA position 1430, G replaced by A.
Protein change: p.Arg477Gln; replaces arginine 477 with glutamine.
Molecular consequence: missense variant.
Genome position (GRCh38, 1-based): chr17:42,688,585, G>A. VCF-style: chr17-42688585-G-A. GRCh37 (hg19) VCF-style: chr17-40840603-G-A.
Other names: c.1430G>A (NM_003632.2); short protein forms R477Q.
Identifiers: ClinVar variation 1377446 (VCV001377446.4), dbSNP rs764313512, ClinGen allele CA8581781.
Genomic context (GRCh38, chr17:42,688,585, plus strand): 5'-TTATCAGCATTGATGATGTGGAAGGGGCAGAGGTCAGGGTCTCATACCCGTTGCTGATCC[G>A]GACAGGGACCTCATATTTCTTTGGGGGTAAGTGGGGGCCAACCTGACCAGACCTCTGTTT-3'
Protein context (NP_003623.1, residues 467-487): EVRVSYPLLI[Arg477Gln]TGTSYFFGGC